The following is an entry in ClinVar:

ClinVar aggregate classification (germline): Uncertain significance (1 of 4 stars; one submission).

Submission:

GeneDx
Classification: Uncertain significance. Last evaluated: 2025-02-18. Review status: criteria provided, single submitter. Criteria: GeneDx Variant Classification Process June 2021. Collection method: clinical testing. Allele origin: germline. Affected: yes.
Comment: Not observed at significant frequency in large population cohorts (gnomAD); In silico analysis indicates that this missense variant does not alter protein structure/function; Has not been previously published as pathogenic or benign to our knowledge

NM_001348716.2(KDM6B):c.481G>A (p.Gly161Ser)

Gene: KDM6B (lysine demethylase 6B; plus strand). Cytogenetic location: 17p13.1.
Variant type: single nucleotide variant.
Coding change: c.481G>A on transcript NM_001348716.2 (MANE Select); coding-DNA position 481, G replaced by A.
Protein change: p.Gly161Ser; replaces glycine 161 with serine.
Molecular consequence: missense variant.
Genome position (GRCh38, 1-based): chr17:7,846,424, G>A. VCF-style: chr17-7846424-G-A. GRCh37 (hg19) VCF-style: chr17-7749742-G-A.
Other names: c.481G>A, p.Gly161Ser (NM_001080424.2); short protein forms G161S.
Identifiers: ClinVar variation 4075679 (VCV004075679.1).
Genomic context (GRCh38, chr17:7,846,424, plus strand): 5'-GACATCTGCCCCTGCCCCGTGTCCCCCCACCCCCAGGCCCAGCTCTGGAACTTTCATACT[G>A]GCTCCTGCCAGCACCGAGCCAAGGTCCTGCCCCCACTGGAGCAAGTGTGGAACTTGCTAC-3'
Protein context (NP_001335645.1, residues 151-171): QQAQLWNFHT[Gly161Ser]SCQHRAKVLP